The following is an entry in ClinVar:

ClinVar aggregate classification (germline): Uncertain significance. Review status: criteria provided, multiple submitters, no conflicts (2 of 4 stars). 3 submissions from 3 submitters: Uncertain significance (3). Last evaluated 2025-04-12.

Conditions:
Fanconi anemia complementation group E (FANCE). Also called: FANCE-Related Fanconi Anemia. Identifiers: Orphanet 84, MedGen C3160739, MONDO:0010953, OMIM 600901.
Inborn genetic diseases. Identifiers: MedGen C0950123, MeSH D030342.

Allele frequency attached by ClinVar (database versions not stated): gnomAD exomes 0.00001 and 0.00004; TOPMed 0.00002; gnomAD 0.00003; ExAC 0.00006.
gnomAD v4.1: 12 of 1,613,874 alleles (0.00074%); highest among the groups gnomAD compares: East Asian, 0.027%; no homozygotes.

Submissions (3):

Ambry Genetics
Classification: Uncertain significance for Inborn genetic diseases. Last evaluated: 2025-04-12. Review status: criteria provided, single submitter. Criteria: Ambry Variant Classification Scheme 2023. Collection method: clinical testing. Allele origin: germline.

Labcorp Genetics (formerly Invitae), Labcorp
Classification: Uncertain significance for Fanconi anemia complementation group E. Last evaluated: 2025-02-23. Review status: criteria provided, single submitter. Criteria: Invitae Variant Classification Sherloc (09022015). Collection method: clinical testing. Allele origin: germline.
Comment: This sequence change replaces glycine, which is neutral and non-polar, with arginine, which is basic and polar, at codon 198 of the FANCE protein (p.Gly198Arg). This variant is present in population databases (rs747727711, gnomAD 0.07%). This variant has not been reported in the literature in individuals affected with FANCE-related conditions. ClinVar contains an entry for this variant (Variation ID: 471930). Invitae Evidence Modeling of protein sequence and biophysical properties (such as structural, functional, and spatial information, amino acid conservation, physicochemical variation, residue mobility, and thermodynamic stability) indicates that this missense variant is not expected to disrupt FANCE protein function with a negative predictive value of 80%. In summary, the available evidence is currently insufficient to determine the role of this variant in disease. Therefore, it has been classified as a Variant of Uncertain Significance.

Fulgent Genetics
Classification: Uncertain significance for Fanconi anemia complementation group E. Last evaluated: 2024-02-28. Review status: criteria provided, single submitter. Criteria: ACMG Guidelines, 2015. Collection method: clinical testing. Allele origin: germline.

NM_021922.3(FANCE):c.592G>A (p.Gly198Arg)

Gene: FANCE (FA complementation group E; plus strand). Cytogenetic location: 6p21.31.
Variant type: single nucleotide variant.
Coding change: c.592G>A on transcript NM_021922.3 (MANE Select); coding-DNA position 592, G replaced by A.
Protein change: p.Gly198Arg; replaces glycine 198 with arginine.
Molecular consequence: missense variant.
Genome position (GRCh38, 1-based): chr6:35,456,090, G>A. VCF-style: chr6-35456090-G-A. GRCh37 (hg19) VCF-style: chr6-35423867-G-A.
Other names: short protein forms G198R.
Identifiers: ClinVar variation 471930 (VCV000471930.11), dbSNP rs747727711, ClinGen allele CA3771444.